The following is an entry in ClinVar:

NM_020338.4(ZMIZ1):c.1147C>T (p.Gln383Ter)

Gene: ZMIZ1 (zinc finger MIZ-type containing 1; plus strand). Cytogenetic location: 10q22.3.
Variant type: single nucleotide variant.
Coding change: c.1147C>T on transcript NM_020338.4 (MANE Select); coding-DNA position 1147, C replaced by T.
Protein change: p.Gln383Ter; replaces glutamine 383 with a stop codon.
Molecular consequence: nonsense.
Genome position (GRCh38, 1-based): chr10:79,293,570, C>T. VCF-style: chr10-79293570-C-T. GRCh37 (hg19) VCF-style: chr10-81053327-C-T.
Other names: short protein forms Q383*.
Identifiers: ClinVar variation 4292061 (VCV004292061.1).

ClinVar aggregate classification (germline): Likely pathogenic (1 of 4 stars; one submission).

Conditions:
Neurodevelopmental disorder with dysmorphic facies and distal skeletal anomalies. Identifiers: MedGen C5231448, MONDO:0032855, OMIM 618659.

Submission:

3billion
Classification: Likely pathogenic for Neurodevelopmental disorder with dysmorphic facies and distal skeletal anomalies. Last evaluated: 2024-11-11. Review status: criteria provided, single submitter. Criteria: ACMG Guidelines, 2015. Collection method: clinical testing. Allele origin: germline. Affected: yes.
Comment: The variant is not observed in the gnomAD v4.1.0 dataset. Predicted Consequence/Location: Stop-gained (nonsense): predicted to result in a loss or disruption of normal protein function through nonsense-mediated decay (NMD) or protein truncation. Multiple pathogenic variants are reported downstream of the variant. Therefore, this variant is classified as Likely pathogenic according to the recommendation of ACMG/AMP guideline.